The following is an entry in ClinVar:

NM_021625.5(TRPV4):c.37G>A (p.Gly13Arg)

Gene: TRPV4 (transient receptor potential cation channel subfamily V member 4; minus strand). Cytogenetic location: 12q24.11.
Variant type: single nucleotide variant.
Coding change: c.37G>A on transcript NM_021625.5 (MANE Select); coding-DNA position 37, G replaced by A.
Protein change: p.Gly13Arg; replaces glycine 13 with arginine.
Molecular consequence: missense variant.
Genome position (GRCh38, 1-based): chr12:109,814,760, C>T on the plus strand (G>A on the coding strand, the complement: TRPV4 is on the minus strand). VCF-style: chr12-109814760-C-T. GRCh37 (hg19) VCF-style: chr12-110252565-C-T.
Other names: c.37G>A, p.Gly13Arg (NM_001177428.2, NM_001177431.2, NM_001177433.2 and 1 more transcripts); short protein forms G13R.
Identifiers: ClinVar variation 246224 (VCV000246224.8), dbSNP rs763302555, ClinGen allele CA6780632.

ClinVar aggregate classification (germline): Uncertain significance. Review status: criteria provided, multiple submitters, no conflicts (2 of 4 stars). 4 submissions from 4 submitters: Uncertain significance (3). 1 of the submissions does not count toward it. Last evaluated 2025-09-27.

Conditions:
TRPV4-related disorder. Also called: TRPV4-related disorders; TRPV4-related condition.
Distal spinal muscular atrophy. Also called: Distal hereditary motor neuropathy; Distal hereditary motor neuronopathy. Identifiers: Orphanet 53739, MedGen C0393541, MONDO:0018894.
Charcot-Marie-Tooth disease axonal type 2C (HMSN2C). Also called: CHARCOT-MARIE-TOOTH DISEASE, AXONAL, AUTOSOMAL DOMINANT, TYPE 2C; Charcot-Marie-Tooth Neuropathy Type 2C; Charcot-Marie-Tooth Disease Type 2, TRPV4-Related (CMT2C). Identifiers: Orphanet 99937, MedGen C1853710, MONDO:0011633, OMIM 606071.

gnomAD v4.1: 50 of 1,563,530 alleles (0.0032%); highest among the groups gnomAD compares: Middle Eastern, 0.052%; no homozygotes.

Submissions (4):

Labcorp Genetics (formerly Invitae), Labcorp
Classification: Uncertain significance for Charcot-Marie-Tooth disease axonal type 2C. Last evaluated: 2025-09-27. Review status: criteria provided, single submitter. Criteria: Invitae Variant Classification Sherloc (09022015). Collection method: clinical testing. Allele origin: germline.
Comment: This sequence change replaces glycine, which is neutral and non-polar, with arginine, which is basic and polar, at codon 13 of the TRPV4 protein (p.Gly13Arg). This variant is present in population databases (rs763302555, gnomAD 0.01%). This variant has not been reported in the literature in individuals affected with TRPV4-related conditions. ClinVar contains an entry for this variant (Variation ID: 246224). Invitae Evidence Modeling of protein sequence and biophysical properties (such as structural, functional, and spatial information, amino acid conservation, physicochemical variation, residue mobility, and thermodynamic stability) indicates that this missense variant is not expected to disrupt TRPV4 protein function with a negative predictive value of 95%. In summary, the available evidence is currently insufficient to determine the role of this variant in disease. Therefore, it has been classified as a Variant of Uncertain Significance.

PreventionGenetics, part of Exact Sciences
Classification: Uncertain significance for TRPV4-related condition. Last evaluated: 2025-06-19. Review status: criteria provided, single submitter. Criteria: ACMG Guidelines, 2015. Collection method: clinical testing. Allele origin: germline.
Comment: The TRPV4 c.37G>A variant is predicted to result in the amino acid substitution p.Gly13Arg. To our knowledge, this variant has not been reported in the literature. This variant is reported in 0.012% of alleles in individuals of Ashkenazi Jewish descent in gnomAD. At this time, the clinical significance of this variant is uncertain due to the absence of conclusive functional and genetic evidence.

GeneDx
Classification: Uncertain significance. Last evaluated: 2017-12-12. Review status: criteria provided, single submitter. Criteria: GeneDx Variant Classification (06012015). Collection method: clinical testing. Allele origin: germline. Affected: yes.
Comment: The G13R variant in the TRPV4 gene has not been reported previously as a pathogenic variant, nor as a benign variant, to our knowledge. No data from the NHLBI Exome Sequencing Project population cohort was available to assess the frequency of this variant. The G13R variant is a non-conservative amino acid substitution, which is likely to impact secondary protein structure as these residues differ in polarity, charge, size and/or other properties. This substitution occurs at a position that is conserved in mammals. In silico analysis predicts this variant likely does not alter the protein structure/function. We interpret G13R as a variant of uncertain significance.

Genesis Genome Database
Classification: Uncertain significance for Distal spinal muscular atrophy. Last evaluated: 2019-08-14. Review status: no assertion criteria provided. Collection method: research. Allele origin: germline. Affected: yes. Not counted in ClinVar's aggregate classification.